The following is an entry in ClinVar:

ClinVar aggregate classification (germline): Likely benign. Review status: criteria provided, single submitter (1 of 4 stars). 2 submissions from 2 submitters: Likely benign (1). 1 of the submissions does not count toward it. Last evaluated 2024-05-16.

Conditions:
FRMD4A-related disorder. Also called: FRMD4A-related condition.

Allele frequency attached by ClinVar (database versions not stated): TOPMed 0.00006; gnomAD 0.00011; ESP Exome Variant Server 0.00015; ExAC 0.00042; 1000 Genomes Project 30x 0.00047; 1000 Genomes Project 0.00060.
gnomAD v4.1: 319 of 1,603,160 alleles (0.02%); highest among the groups gnomAD compares: South Asian, 0.29%; 1 homozygote.

Submissions (2):

Blueprint Genetics
Classification: Likely benign. Last evaluated: 2024-05-16. Review status: criteria provided, single submitter. Criteria: ACMG Guidelines, 2015. Collection method: clinical testing. Allele origin: germline.

PreventionGenetics, part of Exact Sciences
Classification: Likely benign for FRMD4A-related condition. Last evaluated: 2019-02-22. Review status: no assertion criteria provided. Collection method: clinical testing. Allele origin: germline. Not counted in ClinVar's aggregate classification.
Comment: This variant is classified as likely benign based on ACMG/AMP sequence variant interpretation guidelines (Richards et al. 2015 PMID: 25741868, with internal and published modifications).

NM_018027.5(FRMD4A):c.1590G>A (p.Ser530=)

Gene: FRMD4A (FERM domain containing 4A; minus strand). Cytogenetic location: 10p13.
Variant type: single nucleotide variant.
Coding change: c.1590G>A on transcript NM_018027.5 (MANE Select); coding-DNA position 1590, G replaced by A.
Protein change: p.Ser530=; no amino-acid change (serine 530 retained).
Molecular consequence: synonymous variant.
Genome position (GRCh38, 1-based): chr10:13,666,110, C>T on the plus strand (G>A on the coding strand, the complement: FRMD4A is on the minus strand). VCF-style: chr10-13666110-C-T. GRCh37 (hg19) VCF-style: chr10-13708110-C-T.
Other names: c.1638G>A, p.Ser546= (NM_001318336.2); c.1689G>A, p.Ser563= (NM_001318337.2); c.663G>A, p.Ser221= (NM_001318338.2).
Identifiers: ClinVar variation 3057982 (VCV003057982.3), dbSNP rs376826116, ClinGen allele CA5414330.